The following is an entry in ClinVar:

NM_001162383.2(ARHGEF2):c.83T>C (p.Met28Thr)

Gene: ARHGEF2 (Rho/Rac guanine nucleotide exchange factor 2; minus strand). Cytogenetic location: 1q22.
Variant type: single nucleotide variant.
Coding change: c.83T>C on transcript NM_001162383.2 (MANE Select); coding-DNA position 83, T replaced by C.
Protein change: p.Met28Thr; replaces methionine 28 with threonine.
Molecular consequence: missense variant. On other transcripts: initiator codon variant (3).
Genome position (GRCh38, 1-based): chr1:155,969,281, A>G on the plus strand (T>C on the coding strand, the complement: ARHGEF2 is on the minus strand). VCF-style: chr1-155969281-A-G. GRCh37 (hg19) VCF-style: chr1-155939072-A-G.
Other names: c.83T>C, p.Met28Thr (NM_001162384.2); c.2T>C, p.Met1Thr (NM_001350110.2, NM_001350111.2, NM_004723.4); c.32T>C, p.Met11Thr (NM_001350112.2); short protein forms M11T, M28T, M1T.
Identifiers: ClinVar variation 2590845 (VCV002590845.4), dbSNP rs376342272, ClinGen allele CA1153609.

ClinVar aggregate classification (germline): Uncertain significance. Review status: criteria provided, multiple submitters, no conflicts (2 of 4 stars). 2 submissions from 2 submitters: Uncertain significance (2). Last evaluated 2025-08-13.

Allele frequency attached by ClinVar (database versions not stated): ExAC 0.00004; TOPMed 0.00006; ESP Exome Variant Server 0.00008.
gnomAD v4.1: 108 of 1,613,998 alleles (0.0067%); highest among the groups gnomAD compares: East Asian, 0.022%; no homozygotes.

Submissions (2):

Ambry Genetics
Classification: Uncertain significance. Last evaluated: 2025-08-13. Review status: criteria provided, single submitter. Criteria: Ambry Variant Classification Scheme 2023. Collection method: clinical testing. Allele origin: germline.

Women's Health and Genetics/Laboratory Corporation of America, LabCorp
Classification: Uncertain significance. Last evaluated: 2025-05-16. Review status: criteria provided, single submitter. Criteria: LabCorp Variant Classification Summary - May 2015. Collection method: clinical testing. Allele origin: germline.
Comment: Variant summary: ARHGEF2 c.2T>C (p.Met1Thr) alters the initiation codon and is predicted to result either in absence of the protein or truncation of the encoded protein due to translation initiation at a downstream codon. The variant allele was found at a frequency of 7.2e-05 in 251446 control chromosomes. This frequency is not significantly higher than estimated for a pathogenic variant in ARHGEF2 causing Neurodevelopmental Disorder With Midbrain And Hindbrain Malformations, allowing no conclusion about variant significance. To our knowledge, no occurrence of c.2T>C in individuals affected with Neurodevelopmental Disorder With Midbrain And Hindbrain Malformations and no experimental evidence demonstrating its impact on protein function have been reported. ClinVar contains an entry for this variant (Variation ID: 2590845). Based on the evidence outlined above, the variant was classified as uncertain significance.